The following is an entry in ClinVar:

ClinVar aggregate classification (germline): Likely pathogenic (1 of 4 stars; one submission).

Conditions:
Focal segmental glomerulosclerosis and neurodevelopmental syndrome. Identifiers: MedGen C5561938, MONDO:0100111, OMIM 619428.

Submission:

Illumina Laboratory Services, Illumina
Classification: Likely pathogenic for Focal segmental glomerulosclerosis and neurodevelopmental syndrome. Last evaluated: 2023-07-14. Review status: criteria provided, single submitter. Criteria: ICSLVariantClassificationCriteria RUGD 01 April 2020. Collection method: clinical testing. Allele origin: unknown.
Comment: The TRIM8 c.1474del (p.His492ThrfsTer58) variant causes a shift in the protein reading frame that is predicted to result in premature termination of the protein. This variant occurs in the last exon of the gene and may escape nonsense-mediated mRNA decay. To our knowledge, this variant has not been reported in the peer-reviewed literature. This variant is not observed in version 2.1.1 or version 3.1.2 of the Genome Aggregation Database. Based on the available evidence, the c.1474del (p.His492ThrfsTer58) variant is classified as likely pathogenic for focal segmental glomerulosclerosis and neurodevelopmental syndrome.

NM_030912.3(TRIM8):c.1474del (p.His492fs)

Gene: TRIM8 (tripartite motif containing 8; plus strand). Cytogenetic location: 10q24.32.
Variant type: Deletion.
Coding change: c.1474del on transcript NM_030912.3 (MANE Select); coding-DNA position 1474, one base deleted (C; older notation c.1474delC).
Protein change: p.His492fs; shifts the reading frame from histidine 492.
Molecular consequence: frameshift variant. On other transcripts: non-coding transcript variant (1).
Genome position (GRCh38, 1-based): chr10:102,657,172, C deleted; the last of 2 consecutive C bases (chr10:102,657,171-102,657,172); deleting either gives the same sequence. VCF-style (leftmost placement, unchanged base first): chr10-102657170-GC-G. GRCh37 (hg19) VCF-style: chr10-104416927-GC-G.
Other names: c.1378del, p.His460fs (NM_001345950.1); short protein forms H460fs, H492fs.
Identifiers: ClinVar variation 2627921 (VCV002627921.1), dbSNP rs2492916342, ClinGen allele CA2586963985.